The following is an entry in ClinVar:

NM_001166108.2(PALLD):c.1976A>T (p.Lys659Met)

Gene: PALLD (palladin, cytoskeletal associated protein; plus strand). Cytogenetic location: 4q32.3.
Variant type: single nucleotide variant.
Coding change: c.1976A>T on transcript NM_001166108.2 (MANE Select); coding-DNA position 1976, A replaced by T.
Protein change: p.Lys659Met; replaces lysine 659 with methionine.
Molecular consequence: missense variant. On other transcripts: 5 prime UTR variant (4).
Genome position (GRCh38, 1-based): chr4:168,890,933, A>T. VCF-style: chr4-168890933-A-T. GRCh37 (hg19) VCF-style: chr4-169812084-A-T.
Other names: c.830A>T, p.Lys277Met (NM_001166109.2); c.515A>T, p.Lys172Met (NM_001166110.2); c.-146A>T (NM_001367567.1, NM_001367568.1, NM_001367569.1 and 1 more transcripts); c.1976A>T, p.Lys659Met (NM_016081.4); c.1976A>T (NM_016081.3); short protein forms K277M, K172M, K659M.
Identifiers: ClinVar variation 1422501 (VCV001422501.9), dbSNP rs766621175, ClinGen allele CA3135798.

ClinVar aggregate classification (germline): Uncertain significance. Review status: criteria provided, multiple submitters, no conflicts (2 of 4 stars). 2 submissions from 2 submitters: Uncertain significance (2). Last evaluated 2023-05-15.

Conditions:
Pancreatic adenocarcinoma. Identifiers: MedGen C0281361, MONDO:0006047, HP:0006725.

Allele frequency attached by ClinVar (database versions not stated): gnomAD exomes below 0.00001; ExAC 0.00001.
gnomAD v4.1: 2 of 1,613,966 alleles (0.00012%); highest among the groups gnomAD compares: South Asian, 0.0022%; no homozygotes.

Submissions (2):

Labcorp Genetics (formerly Invitae), Labcorp
Classification: Uncertain significance for Pancreatic adenocarcinoma. Last evaluated: 2023-05-15. Review status: criteria provided, single submitter. Criteria: Invitae Variant Classification Sherloc (09022015). Collection method: clinical testing. Allele origin: germline.
Comment: In summary, the available evidence is currently insufficient to determine the role of this variant in disease. Therefore, it has been classified as a Variant of Uncertain Significance. An algorithm developed to predict the effect of missense changes on protein structure and function (PolyPhen-2) suggests that this variant is likely to be tolerated. ClinVar contains an entry for this variant (Variation ID: 1422501). This variant has not been reported in the literature in individuals affected with PALLD-related conditions. This variant is present in population databases (rs766621175, gnomAD 0.003%). This sequence change replaces lysine, which is basic and polar, with methionine, which is neutral and non-polar, at codon 172 of the PALLD protein (p.Lys172Met).

Ambry Genetics
Classification: Uncertain significance. Last evaluated: 2023-02-27. Review status: criteria provided, single submitter. Criteria: Ambry Variant Classification Scheme 2023. Collection method: clinical testing. Allele origin: germline.
Comment: The p.K659M variant (also known as c.1976A>T), located in coding exon 10 of the PALLD gene, results from an A to T substitution at nucleotide position 1976. The lysine at codon 659 is replaced by methionine, an amino acid with similar properties. This amino acid position is conserved. In addition, the in silico prediction for this alteration is inconclusive. Since supporting evidence is limited at this time, the clinical significance of this alteration remains unclear.